The following is an entry in ClinVar:

ClinVar aggregate classification (germline): Pathogenic/Likely pathogenic. Review status: criteria provided, multiple submitters, no conflicts (2 of 4 stars). 2 submissions from 2 submitters: Pathogenic (1); Likely pathogenic (1). Last evaluated 2022-11-15.

Conditions:
PRPF31-related disorder. Also called: PRPF31-related condition.

Submissions (2):

Labcorp Genetics (formerly Invitae), Labcorp
Classification: Pathogenic. Last evaluated: 2022-11-15. Review status: criteria provided, single submitter. Criteria: Invitae Variant Classification Sherloc (09022015). Collection method: clinical testing. Allele origin: germline.
Comment: This sequence change creates a premature translational stop signal (p.Ser266*) in the PRPF31 gene. It is expected to result in an absent or disrupted protein product. Loss-of-function variants in PRPF31 are known to be pathogenic (PMID: 18317597, 23950152). This variant is not present in population databases (gnomAD no frequency). This variant has not been reported in the literature in individuals affected with PRPF31-related conditions. ClinVar contains an entry for this variant (Variation ID: 1076118). For these reasons, this variant has been classified as Pathogenic.

Blueprint Genetics
Classification: Likely pathogenic for PRPF31-related disorders. Last evaluated: 2019-12-30. Review status: criteria provided, single submitter. Criteria: ACMG Guidelines, 2015. Collection method: clinical testing. Allele origin: germline. Affected: yes. Observed: 1 variant allele.

Literature cited by the submitters: PubMed 18317597 (cited by Labcorp Genetics (formerly Invitae), Labcorp); PubMed 23950152 (cited by Labcorp Genetics (formerly Invitae), Labcorp).

NM_015629.4(PRPF31):c.797C>A (p.Ser266Ter)

Gene: PRPF31 (pre-mRNA processing factor 31; plus strand). Cytogenetic location: 19q13.42.
Variant type: single nucleotide variant.
Coding change: c.797C>A on transcript NM_015629.4 (MANE Select); coding-DNA position 797, C replaced by A.
Protein change: p.Ser266Ter; replaces serine 266 with a stop codon.
Molecular consequence: nonsense.
Genome position (GRCh38, 1-based): chr19:54,124,598, C>A. VCF-style: chr19-54124598-C-A. GRCh37 (hg19) VCF-style: chr19-54627977-C-A.
Other names: short protein forms S266*.
Identifiers: ClinVar variation 1076118 (VCV001076118.8), dbSNP rs2146425748, ClinGen allele CA407751267.
Genomic context (GRCh38, chr19:54,124,598, plus strand): 5'-CCTGCAACATCATGCTGCTCGGGGCCCAGCGCAAGACGCTGTCGGGCTTCTCGTCTACCT[C>A]AGTGCTGCCCCACACCGGCTACATCTACCACAGTGACATCGTGCAGTCCCTGCCACCGGT-3'